The following is an entry in ClinVar:

NM_001389.5(DSCAM):c.2352T>G (p.Val784=)

Gene: DSCAM (DS cell adhesion molecule; minus strand). Cytogenetic location: 21q22.2.
Variant type: single nucleotide variant.
Coding change: c.2352T>G on transcript NM_001389.5 (MANE Select); coding-DNA position 2352, T replaced by G.
Protein change: p.Val784=; no amino-acid change (valine 784 retained).
Molecular consequence: synonymous variant. On other transcripts: non-coding transcript variant (1).
Genome position (GRCh38, 1-based): chr21:40,276,101, A>C on the plus strand (T>G on the coding strand, the complement: DSCAM is on the minus strand). VCF-style: chr21-40276101-A-C. GRCh37 (hg19) VCF-style: chr21-41648028-A-C.
Other names: c.2352T>G, p.Val784= (NM_206887.1, NM_001271534.3).
Identifiers: ClinVar variation 2498897 (VCV002498897.28), dbSNP rs2073682831, ClinGen allele CA512613650.

ClinVar aggregate classification (germline): Likely benign (1 of 4 stars; one submission).

Submission:

CeGaT Center for Human Genetics Tuebingen
Classification: Likely benign. Last evaluated: 2023-11-01. Review status: criteria provided, single submitter. Criteria: CeGaT Center For Human Genetics Tuebingen Variant Classification Criteria Version 2. Collection method: clinical testing. Allele origin: germline. Affected: yes. Observed: 2 variant alleles.
Comment: DSCAM: PM2:Supporting, BP4, BP7